The following is an entry in ClinVar:

NM_005560.6(LAMA5):c.4495A>G (p.Ile1499Val)

Gene: LAMA5 (laminin subunit alpha 5; minus strand). Cytogenetic location: 20q13.33.
Variant type: single nucleotide variant.
Coding change: c.4495A>G on transcript NM_005560.6 (MANE Select); coding-DNA position 4495, A replaced by G.
Protein change: p.Ile1499Val; replaces isoleucine 1499 with valine.
Molecular consequence: missense variant.
Genome position (GRCh38, 1-based): chr20:62,328,398, T>C on the plus strand (A>G on the coding strand, the complement: LAMA5 is on the minus strand). VCF-style: chr20-62328398-T-C. GRCh37 (hg19) VCF-style: chr20-60903454-T-C.
Other names: short protein forms I1499V.
Identifiers: ClinVar variation 2062793 (VCV002062793.4), dbSNP rs912567522, ClinGen allele CA317257424.

ClinVar aggregate classification (germline): Uncertain significance (1 of 4 stars; one submission).

Allele frequency attached by ClinVar (database versions not stated): gnomAD 0.00001; gnomAD exomes 0.00001; TOPMed 0.00002.
gnomAD v4.1: 16 of 1,548,626 alleles (0.001%); highest among the groups gnomAD compares: Admixed American, 0.018%; no homozygotes.

Submission:

Labcorp Genetics (formerly Invitae), Labcorp
Classification: Uncertain significance. Last evaluated: 2022-02-20. Review status: criteria provided, single submitter. Criteria: Invitae Variant Classification Sherloc (09022015). Collection method: clinical testing. Allele origin: germline.
Comment: This variant has not been reported in the literature in individuals affected with LAMA5-related conditions. This variant is present in population databases (no rsID available, gnomAD 0.03%). This sequence change replaces isoleucine, which is neutral and non-polar, with valine, which is neutral and non-polar, at codon 1499 of the LAMA5 protein (p.Ile1499Val). Algorithms developed to predict the effect of missense changes on protein structure and function output the following: SIFT: "Tolerated"; PolyPhen-2: "Benign"; Align-GVGD: "Class C0". The valine amino acid residue is found in multiple mammalian species, which suggests that this missense change does not adversely affect protein function. In summary, the available evidence is currently insufficient to determine the role of this variant in disease. Therefore, it has been classified as a Variant of Uncertain Significance.